The following is an entry in ClinVar:

NM_006231.4(POLE):c.3170C>T (p.Ala1057Val)

Gene: POLE (DNA polymerase epsilon, catalytic subunit; minus strand). Cytogenetic location: 12q24.33.
Variant type: single nucleotide variant.
Coding change: c.3170C>T on transcript NM_006231.4 (MANE Select); coding-DNA position 3170, C replaced by T.
Protein change: p.Ala1057Val; replaces alanine 1057 with valine.
Molecular consequence: missense variant.
Genome position (GRCh38, 1-based): chr12:132,659,400, G>A on the plus strand (C>T on the coding strand, the complement: POLE is on the minus strand). VCF-style: chr12-132659400-G-A. GRCh37 (hg19) VCF-style: chr12-133235986-G-A.
Other names: short protein forms A1057V.
Identifiers: ClinVar variation 405807 (VCV000405807.9), dbSNP rs975893534, ClinGen allele CA16613887.

ClinVar aggregate classification (germline): Uncertain significance (1 of 4 stars; one submission).

Allele frequency attached by ClinVar (database versions not stated): gnomAD exomes below 0.00001.
gnomAD v4.1: 1 of 1,614,208 alleles (0.000062%); highest among the groups gnomAD compares: Non-Finnish European, 0.000085%; no homozygotes.

Submission:

Labcorp Genetics (formerly Invitae), Labcorp
Classification: Uncertain significance. Last evaluated: 2016-08-30. Review status: criteria provided, single submitter. Criteria: Invitae Variant Classification Sherloc (09022015). Collection method: clinical testing. Allele origin: germline.
Comment: In summary, this variant is a novel missense change with uncertain impact on protein function. It has been classified as a Variant of Uncertain Significance. Algorithms developed to predict the effect of missense changes on protein structure and function (SIFT, PolyPhen-2, Align-GVGD) all suggest that this variant is likely to be disruptive, but these predictions have not been confirmed by published functional studies. This variant is not present in population databases (ExAC no frequency) and has not been reported in the literature in individuals with a POLE-related disease. This sequence change replaces alanine with valine at codon 1057 of the POLE protein (p.Ala1057Val). The alanine residue is highly conserved and there is a small physicochemical difference between alanine and valine.